The following is an entry in ClinVar:

NM_000094.4(COL7A1):c.7951C>T (p.Arg2651Cys)

Gene: COL7A1 (collagen type VII alpha 1 chain; minus strand). Cytogenetic location: 3p21.31.
Variant type: single nucleotide variant.
Coding change: c.7951C>T on transcript NM_000094.4 (MANE Select); coding-DNA position 7951, C replaced by T.
Protein change: p.Arg2651Cys; replaces arginine 2651 with cysteine.
Molecular consequence: missense variant.
Genome position (GRCh38, 1-based): chr3:48,567,742, G>A on the plus strand (C>T on the coding strand, the complement: COL7A1 is on the minus strand). VCF-style: chr3-48567742-G-A. GRCh37 (hg19) VCF-style: chr3-48605175-G-A.
Other names: short protein forms R2651C.
Identifiers: ClinVar variation 2153245 (VCV002153245.2), dbSNP rs142103925, ClinGen allele CA2378234.
Genomic context (GRCh38, chr3:48,567,742, plus strand): 5'-CCCTCATTCTGAGCGTGCCCACACTCACCATCTCTCCTTTGTGTCCTGCCAGCCCGGGGC[G>A]GCCTGGGGGACCAGCTTCTCCCTGCAGGCATCAGGCAGTGGGGTGAGCCTTAGGCCCCAG-3'
Protein context (NP_000085.1, residues 2641-2661): GDKGEAGPPG[Arg2651Cys]PGLAGHKGEM

ClinVar aggregate classification (germline): Uncertain significance (1 of 4 stars; one submission).

Allele frequency attached by ClinVar (database versions not stated): ExAC 0.00001; gnomAD exomes 0.00001; gnomAD 0.00002; TOPMed 0.00004; ESP Exome Variant Server 0.00008.
gnomAD v4.1: 13 of 1,613,972 alleles (0.00081%); highest among the groups gnomAD compares: East Asian, 0.0022%; no homozygotes.

Submission:

Labcorp Genetics (formerly Invitae), Labcorp
Classification: Uncertain significance. Last evaluated: 2025-08-03. Review status: criteria provided, single submitter. Criteria: Invitae Variant Classification Sherloc (09022015). Collection method: clinical testing. Allele origin: germline.
Comment: This sequence change replaces arginine, which is basic and polar, with cysteine, which is neutral and slightly polar, at codon 2651 of the COL7A1 protein (p.Arg2651Cys). This variant is present in population databases (rs142103925, gnomAD 0.003%). This variant has not been reported in the literature in individuals affected with COL7A1-related conditions. ClinVar contains an entry for this variant (Variation ID: 2153245). Invitae Evidence Modeling of protein sequence and biophysical properties (such as structural, functional, and spatial information, amino acid conservation, physicochemical variation, residue mobility, and thermodynamic stability) indicates that this missense variant is expected to disrupt COL7A1 protein function with a positive predictive value of 95%. In summary, the available evidence is currently insufficient to determine the role of this variant in disease. Therefore, it has been classified as a Variant of Uncertain Significance.